The following is an entry in ClinVar:

ClinVar aggregate classification (germline): Uncertain significance (1 of 4 stars; one submission).

Allele frequency attached by ClinVar (database versions not stated): gnomAD exomes below 0.00001; gnomAD 0.00001.
gnomAD v4.1: 2 of 1,601,992 alleles (0.00012%); highest among the groups gnomAD compares: Non-Finnish European, 0.00017%; no homozygotes.

Submission:

GeneDx
Classification: Uncertain significance. Last evaluated: 2023-05-04. Review status: criteria provided, single submitter. Criteria: GeneDx Variant Classification Process June 2021. Collection method: clinical testing. Allele origin: germline. Affected: yes.
Comment: Not observed at significant frequency in large population cohorts (gnomAD); Has not been previously published as pathogenic or benign to our knowledge; In silico analysis is inconclusive as to whether the variant alters gene splicing. In the absence of RNA/functional studies, the actual effect of this sequence change is unknown.

NM_001348323.3(TRIP12):c.3969-9T>G

Gene: TRIP12 (thyroid hormone receptor interactor 12; minus strand). Cytogenetic location: 2q36.3.
Variant type: single nucleotide variant.
Coding change: c.3969-9T>G on transcript NM_001348323.3 (MANE Select); 9 bases into the intron before coding-DNA position 3969, T replaced by G.
Molecular consequence: intron variant.
Genome position (GRCh38, 1-based): chr2:229,793,154, A>C on the plus strand (T>G on the coding strand, the complement: TRIP12 is on the minus strand). VCF-style: chr2-229793154-A-C. GRCh37 (hg19) VCF-style: chr2-230657870-A-C.
Other names: c.2934-9T>G (NM_001284216.2); c.3744-9T>G (NM_004238.3); c.3762-24T>G (NM_001348331.1); c.3843-24T>G (NM_001348317.1, NM_001348318.2); c.3843-9T>G (NM_001284215.2, NM_001348316.2); c.3882-24T>G (NM_001348332.1); c.3888-9T>G (NM_001284214.2, NM_001348315.2); c.3969-24T>G (NM_001348319.1, NM_001348320.2); and 4 more.
Identifiers: ClinVar variation 2663410 (VCV002663410.1), dbSNP rs2041956973, ClinGen allele CA1043245529.